The following is an entry in ClinVar:

ClinVar aggregate classification (germline): Conflicting classifications of pathogenicity. Review status: criteria provided, conflicting classifications (1 of 4 stars). 12 submissions from 9 submitters: Uncertain significance (3); Benign (1); Likely benign (4). 4 of the submissions do not count toward it. Last evaluated 2026-01-26.

Conditions:
CFH-Related Dense Deposit Disease / Membranoproliferative Glomerulonephritis Type II. Identifiers: MedGen CN071292.
Hemolytic uremic syndrome, atypical, susceptibility to, 1. Also called: AHUS, SUSCEPTIBILITY TO, 1. Identifiers: Orphanet 2134, Orphanet 90038, MedGen C2749604, MONDO:0009335, OMIM 235400. Disease mechanism: Other.
Age related macular degeneration 4. Identifiers: MedGen C1853147, MONDO:0012540, OMIM 610698.
CFH-related disorder. Also called: CFH-related condition; CFH-related disorders.
Basal laminar drusen. Also called: DRUSEN OF BRUCH MEMBRANE; DRUSEN, CUTICULAR; DRUSEN, EARLY ADULT-ONSET, GROUPED. Identifiers: Orphanet 75376, MedGen C0730295, MONDO:0007472, OMIM 126700.

Allele frequency attached by ClinVar (database versions not stated): ExAC 0.00034; TOPMed 0.00036; gnomAD exomes 0.00041 and 0.00049; ESP Exome Variant Server 0.00046; gnomAD 0.00048 and 0.00049.
gnomAD v4.1: 781 of 1,613,506 alleles (0.048%); highest among the groups gnomAD compares: Non-Finnish European, 0.056%; no homozygotes.

Submissions (12):

Labcorp Genetics (formerly Invitae), Labcorp
Classification: Likely benign. Last evaluated: 2026-01-26. Review status: criteria provided, single submitter. Criteria: Invitae Variant Classification Sherloc (09022015). Collection method: clinical testing. Allele origin: germline.

Women's Health and Genetics/Laboratory Corporation of America, LabCorp
Classification: Likely benign. Last evaluated: 2026-01-22. Review status: criteria provided, single submitter. Criteria: LabCorp Variant Classification Summary - May 2015. Collection method: clinical testing. Allele origin: germline.

Mayo Clinic Laboratories, Mayo Clinic
Classification: Likely benign. Last evaluated: 2025-01-20. Review status: criteria provided, single submitter. Criteria: ACMG Guidelines, 2015. Collection method: clinical testing. Allele origin: germline. Observed: 3 variant alleles.
Comment: BP4, BP7

Blueprint Genetics
Classification: Likely benign. Last evaluated: 2024-10-07. Review status: criteria provided, single submitter. Criteria: ACMG Guidelines, 2015. Collection method: clinical testing. Allele origin: germline.

Illumina Laboratory Services, Illumina
Classification: Benign for Hemolytic uremic syndrome, atypical, susceptibility to, 1. Last evaluated: 2018-01-12. Review status: criteria provided, single submitter. Criteria: ICSL Variant Classification Criteria 13 December 2019. Collection method: clinical testing. Allele origin: germline.
Comment: This variant was observed in the ICSL laboratory as part of a predisposition screen in an ostensibly healthy population. It had not been previously curated by ICSL or reported in the Human Gene Mutation Database (HGMD: prior to June 1st, 2018), and was therefore a candidate for classification through an automated scoring system. Utilizing variant allele frequency, disease prevalence and penetrance estimates, and inheritance mode, an automated score was calculated to assess if this variant is too frequent to cause the disease. Based on the score and internal cut-off values, a variant classified as benign is not then subjected to further curation. The score for this variant resulted in a classification of benign for this disease.

Illumina Laboratory Services, Illumina
Classification: Uncertain significance for Age related macular degeneration 4. Last evaluated: 2018-01-12. Review status: criteria provided, single submitter. Criteria: ICSL Variant Classification Criteria 13 December 2019. Collection method: clinical testing. Allele origin: germline.

Illumina Laboratory Services, Illumina
Classification: Uncertain significance for Membranoproliferative glomerulonephritis with complement factor h deficiency. Last evaluated: 2018-01-12. Review status: criteria provided, single submitter. Criteria: ICSL Variant Classification Criteria 13 December 2019. Collection method: clinical testing. Allele origin: germline.

Illumina Laboratory Services, Illumina
Classification: Uncertain significance for Basal laminar drusen. Last evaluated: 2018-01-12. Review status: criteria provided, single submitter. Criteria: ICSL Variant Classification Criteria 13 December 2019. Collection method: clinical testing. Allele origin: germline.

PreventionGenetics, part of Exact Sciences
Classification: Likely benign for CFH-related condition. Last evaluated: 2022-05-10. Review status: no assertion criteria provided. Collection method: clinical testing. Allele origin: germline. Not counted in ClinVar's aggregate classification.
Comment: This variant is classified as likely benign based on ACMG/AMP sequence variant interpretation guidelines (Richards et al. 2015 PMID: 25741868, with internal and published modifications).

Clinical Genetics DNA and cytogenetics Diagnostics Lab, Erasmus MC, Erasmus Medical Center
Classification: Likely benign. Review status: no assertion criteria provided. Collection method: clinical testing. Allele origin: germline. Affected: yes. Study: VKGL Data-share Consensus. Not counted in ClinVar's aggregate classification.

Clinical Genetics, Academic Medical Center
Classification: Likely benign. Review status: no assertion criteria provided. Collection method: clinical testing. Allele origin: germline. Affected: yes. Study: VKGL Data-share Consensus. Not counted in ClinVar's aggregate classification.

Genome Diagnostics Laboratory, University Medical Center Utrecht
Classification: Likely benign. Review status: no assertion criteria provided. Collection method: clinical testing. Allele origin: germline. Affected: yes. Study: VKGL Data-share Consensus. Not counted in ClinVar's aggregate classification.

NM_000186.4(CFH):c.285T>C (p.Thr95=)

Gene: CFH (complement factor H; plus strand). Cytogenetic location: 1q31.3.
Variant type: single nucleotide variant.
Coding change: c.285T>C on transcript NM_000186.4 (MANE Select); coding-DNA position 285, T replaced by C.
Protein change: p.Thr95=; no amino-acid change (threonine 95 retained).
Molecular consequence: synonymous variant.
Genome position (GRCh38, 1-based): chr1:196,673,897, T>C. VCF-style: chr1-196673897-T-C. GRCh37 (hg19) VCF-style: chr1-196643027-T-C.
Other names: p.Thr95=; c.285T>C, p.Thr95= (NM_001014975.3).
Identifiers: ClinVar variation 294482 (VCV000294482.23), dbSNP rs148182625, ClinGen allele CA1305003.
Genomic context (GRCh38, chr1:196,673,897, plus strand): 5'-AACTTTTTTTTTCGTTTTAGAAAGGCCCTGTGGACATCCTGGAGATACTCCTTTTGGTAC[T>C]TTTACCCTTACAGGAGGAAATGTGTTTGAATATGGTGTAAAAGCTGTGTATACATGTAAT-3'
Protein context (NP_000177.2, residues 85-105): CGHPGDTPFG[Thr95=]FTLTGGNVFE